The following is an entry in ClinVar:

NM_015178.3(RHOBTB2):c.1922A>G (p.Asn641Ser)

Gene: RHOBTB2 (Rho related BTB domain containing 2; plus strand). Cytogenetic location: 8p21.3.
Variant type: single nucleotide variant.
Coding change: c.1922A>G on transcript NM_015178.3 (MANE Select); coding-DNA position 1922, A replaced by G.
Protein change: p.Asn641Ser; replaces asparagine 641 with serine.
Molecular consequence: missense variant.
Genome position (GRCh38, 1-based): chr8:23,015,699, A>G. VCF-style: chr8-23015699-A-G. GRCh37 (hg19) VCF-style: chr8-22873212-A-G.
Other names: c.1988A>G, p.Asn663Ser (NM_001160036.2); c.1943A>G, p.Asn648Ser (NM_001160037.2); c.1922A>G, p.Asn641Ser (NM_001374791.1); short protein forms N648S, N663S, N641S.
Identifiers: ClinVar variation 3691641 (VCV003691641.2).

ClinVar aggregate classification (germline): Uncertain significance (1 of 4 stars; one submission).

gnomAD v4.1: 4 of 1,613,630 alleles (0.00025%); highest among the groups gnomAD compares: Non-Finnish European, 0.00034%; no homozygotes.

Submission:

Labcorp Genetics (formerly Invitae), Labcorp
Classification: Uncertain significance. Last evaluated: 2024-12-02. Review status: criteria provided, single submitter. Criteria: Invitae Variant Classification Sherloc (09022015). Collection method: clinical testing. Allele origin: germline.
Comment: This sequence change replaces asparagine, which is neutral and polar, with serine, which is neutral and polar, at codon 663 of the RHOBTB2 protein (p.Asn663Ser). This variant is not present in population databases (gnomAD no frequency). This variant has not been reported in the literature in individuals affected with RHOBTB2-related conditions. Invitae Evidence Modeling of protein sequence and biophysical properties (such as structural, functional, and spatial information, amino acid conservation, physicochemical variation, residue mobility, and thermodynamic stability) indicates that this missense variant is not expected to disrupt RHOBTB2 protein function with a negative predictive value of 80%. In summary, the available evidence is currently insufficient to determine the role of this variant in disease. Therefore, it has been classified as a Variant of Uncertain Significance.